The following is an entry in ClinVar:

ClinVar aggregate classification (germline): Uncertain significance (1 of 4 stars; one submission).

Conditions:
ATP8B1-related disorder. Also called: ATP8B1-related condition; ATP8B1-related disorders.

Allele frequency attached by ClinVar (database versions not stated): ExAC 0.00002; gnomAD 0.00006; gnomAD exomes 0.00006; TOPMed 0.00006.
gnomAD v4.1: 93 of 1,613,984 alleles (0.0058%); highest among the groups gnomAD compares: Non-Finnish European, 0.0075%; no homozygotes.

Submission:

PreventionGenetics, part of Exact Sciences
Classification: Uncertain significance for ATP8B1-related condition. Last evaluated: 2026-04-20. Review status: criteria provided, single submitter. Criteria: ACMG Guidelines, 2015. Collection method: clinical testing. Allele origin: germline.
Comment: The ATP8B1 c.1127G>A variant is predicted to result in the amino acid substitution p.Gly376Glu. To our knowledge, this variant has not been reported in the literature. This variant is reported in 0.010% of alleles in individuals of European (Non-Finnish) descent in gnomAD. At this time, the clinical significance of this variant is uncertain due to the absence of conclusive functional and genetic evidence.

NM_001374385.1(ATP8B1):c.1127G>A (p.Gly376Glu)

Gene: ATP8B1 (ATPase phospholipid transporting 8B1; minus strand). Cytogenetic location: 18q21.31.
Variant type: single nucleotide variant.
Coding change: c.1127G>A on transcript NM_001374385.1 (MANE Select); coding-DNA position 1127, G replaced by A.
Protein change: p.Gly376Glu; replaces glycine 376 with glutamic acid.
Molecular consequence: missense variant.
Genome position (GRCh38, 1-based): chr18:57,691,900, C>T on the plus strand (G>A on the coding strand, the complement: ATP8B1 is on the minus strand). VCF-style: chr18-57691900-C-T. GRCh37 (hg19) VCF-style: chr18-55359132-C-T.
Other names: c.977G>A, p.Gly326Glu (NM_001374386.1); c.1127G>A, p.Gly376Glu (NM_005603.6); short protein forms G326E, G376E.
Identifiers: ClinVar variation 3030980 (VCV003030980.3), dbSNP rs557696025, ClinGen allele CA8974650.